The following is an entry in ClinVar:

NM_020884.7(MYH7B):c.5200AAG[2] (p.Lys1736del)

Gene: MYH7B (myosin heavy chain 7B; plus strand). Cytogenetic location: 20q11.22.
Variant type: Microsatellite.
Coding change: c.5200AAG[2] on transcript NM_020884.7 (MANE Select); two copies in a row of the 3-base unit AAG starting at c.5200; the reference has three copies in a row; one copy, 3 bases deleted.
Protein change: p.Lys1736del; deletes lysine 1736.
Molecular consequence: inframe deletion.
Genome position (GRCh38, 1-based): chr20:35,000,795-35,000,797, AAG deleted; deleting any 3 consecutive bases within chr20:35,000,787-35,000,797 gives the same sequence; the position shown is the placement nearest the transcript's 3' end. VCF-style (leftmost placement, unchanged base first): chr20-35000786-CAGA-C. GRCh37 (hg19) VCF-style: chr20-33588589-CAGA-C.
Other names: short protein forms K1736del.
Identifiers: ClinVar variation 2709708 (VCV002709708.3), dbSNP rs752164557, ClinGen allele CA9828457.

ClinVar aggregate classification (germline): Uncertain significance (1 of 4 stars; one submission).

Submission:

Labcorp Genetics (formerly Invitae), Labcorp
Classification: Uncertain significance. Last evaluated: 2025-06-15. Review status: criteria provided, single submitter. Criteria: Invitae Variant Classification Sherloc (09022015). Collection method: clinical testing. Allele origin: germline.
Comment: This variant, c.5332_5334del, results in the deletion of 1 amino acid(s) of the MYH7B protein (p.Lys1778del), but otherwise preserves the integrity of the reading frame. This variant is present in population databases (rs752164557, gnomAD 0.03%). This variant has not been reported in the literature in individuals affected with MYH7B-related conditions. Experimental studies and prediction algorithms are not available or were not evaluated, and the functional significance of this variant is currently unknown. In summary, the available evidence is currently insufficient to determine the role of this variant in disease. Therefore, it has been classified as a Variant of Uncertain Significance.